The following is an entry in ClinVar:

NM_004618.5(TOP3A):c.1153C>T (p.Pro385Ser)

Gene: TOP3A (DNA topoisomerase III alpha; minus strand). Cytogenetic location: 17p11.2.
Variant type: single nucleotide variant.
Coding change: c.1153C>T on transcript NM_004618.5 (MANE Select); coding-DNA position 1153, C replaced by T.
Protein change: p.Pro385Ser; replaces proline 385 with serine.
Molecular consequence: missense variant.
Genome position (GRCh38, 1-based): chr17:18,292,773, G>A on the plus strand (C>T on the coding strand, the complement: TOP3A is on the minus strand). VCF-style: chr17-18292773-G-A. GRCh37 (hg19) VCF-style: chr17-18196087-G-A.
Other names: c.868C>T, p.Pro290Ser (NM_001320759.2); short protein forms P290S, P385S.
Identifiers: ClinVar variation 1386364 (VCV001386364.3), dbSNP rs139068958, ClinGen allele CA8429996.

ClinVar aggregate classification (germline): Uncertain significance (1 of 4 stars; one submission).

Allele frequency attached by ClinVar (database versions not stated): ExAC 0.00003; gnomAD exomes 0.00004 and 0.00012; gnomAD 0.00007; ESP Exome Variant Server 0.00031.
gnomAD v4.1: 184 of 1,613,966 alleles (0.011%); highest among the groups gnomAD compares: Non-Finnish European, 0.015%; no homozygotes.

Submission:

Labcorp Genetics (formerly Invitae), Labcorp
Classification: Uncertain significance. Last evaluated: 2022-06-04. Review status: criteria provided, single submitter. Criteria: Invitae Variant Classification Sherloc (09022015). Collection method: clinical testing. Allele origin: germline.
Comment: This sequence change replaces proline, which is neutral and non-polar, with serine, which is neutral and polar, at codon 385 of the TOP3A protein (p.Pro385Ser). This variant is present in population databases (rs139068958, gnomAD 0.01%). This variant has not been reported in the literature in individuals affected with TOP3A-related conditions. ClinVar contains an entry for this variant (Variation ID: 1386364). Algorithms developed to predict the effect of missense changes on protein structure and function are either unavailable or do not agree on the potential impact of this missense change (SIFT: "Not Available"; PolyPhen-2: "Benign"; Align-GVGD: "Not Available"). In summary, the available evidence is currently insufficient to determine the role of this variant in disease. Therefore, it has been classified as a Variant of Uncertain Significance.